The following is an entry in ClinVar:

NM_144599.5(NIPA1):c.906C>T (p.Ser302=)

Gene: NIPA1 (NIPA magnesium transporter 1; plus strand). Cytogenetic location: 15q11.2.
Variant type: single nucleotide variant.
Coding change: c.906C>T on transcript NM_144599.5 (MANE Select); coding-DNA position 906, C replaced by T.
Protein change: p.Ser302=; no amino-acid change (serine 302 retained).
Molecular consequence: synonymous variant.
Genome position (GRCh38, 1-based): chr15:22,824,155, C>T. VCF-style: chr15-22824155-C-T. GRCh37 (hg19) VCF-style: chr15-23048913-G-A.
Other names: p.Ser302=; c.681C>T, p.Ser227= (NM_001142275.1).
Identifiers: ClinVar variation 388603 (VCV000388603.16), dbSNP rs147070285, ClinGen allele CA7425974.

ClinVar aggregate classification (germline): Benign/Likely benign. Review status: criteria provided, multiple submitters, no conflicts (2 of 4 stars). 4 submissions from 4 submitters: Benign (2); Likely benign (2). Last evaluated 2025-12-04.

Conditions:
Hereditary spastic paraplegia 6 (SPG6). Also called: SPASTIC PARAPLEGIA 6, AUTOSOMAL DOMINANT. Identifiers: Orphanet 100988, MedGen C1838192, MONDO:0010878, OMIM 600363.

Allele frequency attached by ClinVar (database versions not stated): 1000 Genomes Project 30x 0.00031; gnomAD exomes 0.00032 and 0.00076; 1000 Genomes Project 0.00040; ExAC 0.00061; gnomAD 0.00080 and 0.00087; TOPMed 0.00093; ESP Exome Variant Server 0.00154.
gnomAD v4.1: 618 of 1,613,640 alleles (0.038%); highest among the groups gnomAD compares: African/African-American, 0.13%; 2 homozygotes.

Submissions (4):

Labcorp Genetics (formerly Invitae), Labcorp
Classification: Benign for Hereditary spastic paraplegia 6. Last evaluated: 2025-12-04. Review status: criteria provided, single submitter. Criteria: Invitae Variant Classification Sherloc (09022015). Collection method: clinical testing. Allele origin: germline.

Mayo Clinic Laboratories, Mayo Clinic
Classification: Likely benign. Last evaluated: 2025-04-26. Review status: criteria provided, single submitter. Criteria: ACMG Guidelines, 2015. Collection method: clinical testing. Allele origin: germline. Observed: 1 variant allele.
Comment: BS2, BP4, BP7

Illumina Laboratory Services, Illumina
Classification: Benign for Hereditary spastic paraplegia 6. Last evaluated: 2018-01-13. Review status: criteria provided, single submitter. Criteria: ICSL Variant Classification Criteria 13 December 2019. Collection method: clinical testing. Allele origin: germline.
Comment: This variant was observed in the ICSL laboratory as part of a predisposition screen in an ostensibly healthy population. It had not been previously curated by ICSL or reported in the Human Gene Mutation Database (HGMD: prior to June 1st, 2018), and was therefore a candidate for classification through an automated scoring system. Utilizing variant allele frequency, disease prevalence and penetrance estimates, and inheritance mode, an automated score was calculated to assess if this variant is too frequent to cause the disease. Based on the score and internal cut-off values, a variant classified as benign is not then subjected to further curation. The score for this variant resulted in a classification of benign for this disease.

GeneDx
Classification: Likely benign. Last evaluated: 2016-08-16. Review status: criteria provided, single submitter. Criteria: GeneDx Variant Classification (06012015). Collection method: clinical testing. Allele origin: germline. Affected: yes.
Comment: This variant is considered likely benign or benign based on one or more of the following criteria: it is a conservative change, it occurs at a poorly conserved position in the protein, it is predicted to be benign by multiple in silico algorithms, and/or has population frequency not consistent with disease.